The following is an entry in ClinVar:

ClinVar aggregate classification (germline): Uncertain significance (1 of 4 stars; one submission).

Submission:

Labcorp Genetics (formerly Invitae), Labcorp
Classification: Uncertain significance. Last evaluated: 2025-06-11. Review status: criteria provided, single submitter. Criteria: Invitae Variant Classification Sherloc (09022015). Collection method: clinical testing. Allele origin: germline.
Comment: This sequence change replaces glutamic acid, which is acidic and polar, with aspartic acid, which is acidic and polar, at codon 1211 of the COL4A4 protein (p.Glu1211Asp). This variant is present in population databases (rs767770757, gnomAD 0.0009%). This variant has not been reported in the literature in individuals affected with COL4A4-related conditions. Invitae Evidence Modeling of protein sequence and biophysical properties (such as structural, functional, and spatial information, amino acid conservation, physicochemical variation, residue mobility, and thermodynamic stability) indicates that this missense variant is not expected to disrupt COL4A4 protein function with a negative predictive value of 95%. In summary, the available evidence is currently insufficient to determine the role of this variant in disease. Therefore, it has been classified as a Variant of Uncertain Significance.

NM_000092.5(COL4A4):c.3633G>T (p.Glu1211Asp)

Gene: COL4A4 (collagen type IV alpha 4 chain; minus strand). Cytogenetic location: 2q36.3.
Variant type: single nucleotide variant.
Coding change: c.3633G>T on transcript NM_000092.5 (MANE Select); coding-DNA position 3633, G replaced by T.
Protein change: p.Glu1211Asp; replaces glutamic acid 1211 with aspartic acid.
Molecular consequence: missense variant.
Genome position (GRCh38, 1-based): chr2:227,032,221, C>A on the plus strand (G>T on the coding strand, the complement: COL4A4 is on the minus strand). VCF-style: chr2-227032221-C-A. GRCh37 (hg19) VCF-style: chr2-227896937-C-A.
Other names: short protein forms E1211D.
Identifiers: ClinVar variation 4716672 (VCV004716672.1).